The following is an entry in ClinVar:

NM_000268.4(NF2):c.1256C>T (p.Thr419Met)

Gene: NF2 (NF2, moesin-ezrin-radixin like (MERLIN) tumor suppressor; plus strand). Cytogenetic location: 22q12.2.
Variant type: single nucleotide variant.
Coding change: c.1256C>T on transcript NM_000268.4 (MANE Select); coding-DNA position 1256, C replaced by T.
Protein change: p.Thr419Met; replaces threonine 419 with methionine.
Molecular consequence: missense variant. On other transcripts: non-coding transcript variant (1), intron variant (1).
Genome position (GRCh38, 1-based): chr22:29,673,402, C>T. VCF-style: chr22-29673402-C-T. GRCh37 (hg19) VCF-style: chr22-30069391-C-T.
Other names: c.1256C>T, p.Thr419Met (NM_016418.5, NM_181825.3, NM_181832.3); c.1130C>T, p.Thr377Met (NM_181828.3); c.1133C>T, p.Thr378Met (NM_181829.3); c.1007C>T, p.Thr336Met (NM_181830.3, NM_181831.3); c.448-21350C>T (NM_181833.3); short protein forms T336M, T377M, T378M, T419M.
Identifiers: ClinVar variation 1051800 (VCV001051800.12), dbSNP rs1216540232, ClinGen allele CA411148341.
Genomic context (GRCh38, chr22:29,673,402, plus strand): 5'-CCCAGAAGGCCGCAGAGGCTGAGCAGGAAATGCAGCGCATCAAGGCCACAGCGATTCGCA[C>T]GGAGGAGGAGAAGCGCCTGATGGAGCAGAAGGTGCTGGAAGCCGAGGTGCTGGCACTGAA-3'
Protein context (NP_000259.1, residues 409-429): MQRIKATAIR[Thr419Met]EEEKRLMEQK

ClinVar aggregate classification (germline): Uncertain significance. Review status: criteria provided, multiple submitters, no conflicts (2 of 4 stars). 3 submissions from 3 submitters: Uncertain significance (3). Last evaluated 2025-09-12.

Conditions:
Hereditary cancer-predisposing syndrome. Also called: Neoplastic Syndromes, Hereditary; Hereditary Cancer Syndrome; Hereditary neoplastic syndrome; Tumor predisposition. Identifiers: Orphanet 140162, MedGen C0027672, MeSH D009386, MONDO:0015356.
Neurofibromatosis, type 2 (SWNV). Also called: BILATERAL ACOUSTIC NEUROFIBROMATOSIS; NF2-Related Schwannomatosis; SCHWANNOMATOSIS, VESTIBULAR. Identifiers: Orphanet 637, MedGen C0027832, MONDO:0007039, OMIM 101000. Disease mechanism: loss of function.

gnomAD v4.1: 8 of 1,612,358 alleles (0.0005%); highest among the groups gnomAD compares: Non-Finnish European, 0.00068%; no homozygotes.

Submissions (3):

Labcorp Genetics (formerly Invitae), Labcorp
Classification: Uncertain significance for Neurofibromatosis, type 2. Last evaluated: 2025-09-12. Review status: criteria provided, single submitter. Criteria: Invitae Variant Classification Sherloc (09022015). Collection method: clinical testing. Allele origin: germline.
Comment: This sequence change replaces threonine, which is neutral and polar, with methionine, which is neutral and non-polar, at codon 419 of the NF2 protein (p.Thr419Met). This variant is not present in population databases (gnomAD no frequency). This variant has not been reported in the literature in individuals affected with NF2-related conditions. ClinVar contains an entry for this variant (Variation ID: 1051800). Invitae Evidence Modeling of protein sequence and biophysical properties (such as structural, functional, and spatial information, amino acid conservation, physicochemical variation, residue mobility, and thermodynamic stability) has been performed for this missense variant. However, the output from this modeling did not meet the statistical confidence thresholds required to predict the impact of this variant on NF2 protein function. In summary, the available evidence is currently insufficient to determine the role of this variant in disease. Therefore, it has been classified as a Variant of Uncertain Significance.

Color Diagnostics, LLC DBA Color Health
Classification: Uncertain significance for Neurofibromatosis, type 2. Last evaluated: 2024-09-25. Review status: criteria provided, single submitter. Criteria: ACMG Guidelines, 2015. Collection method: clinical testing. Allele origin: germline.
Comment: This missense variant replaces threonine with methionine at codon 419 of the NF2 protein. Computational prediction suggests that this variant may not impact protein structure and function. To our knowledge, functional studies have not been reported for this variant. This variant has been reported in an individual affected with vestibular schwannoma but this family has a nonsense variant in a different gene that segregates with disease (PMID: 26342709). This variant has not been identified in the general population by the Genome Aggregation Database (gnomAD). The available evidence is insufficient to determine the role of this variant in disease conclusively. Therefore, this variant is classified as a Variant of Uncertain Significance.

Ambry Genetics
Classification: Uncertain significance for Hereditary cancer-predisposing syndrome. Last evaluated: 2024-06-09. Review status: criteria provided, single submitter. Criteria: Ambry Variant Classification Scheme 2023. Collection method: clinical testing. Allele origin: germline.
Comment: The p.T419M variant (also known as c.1256C>T), located in coding exon 12 of the NF2 gene, results from a C to T substitution at nucleotide position 1256. The threonine at codon 419 is replaced by methionine, an amino acid with similar properties. This amino acid position is not well conserved in available vertebrate species. In addition, the in silico prediction for this alteration is inconclusive. Since supporting evidence is limited at this time, the clinical significance of this alteration remains unclear.

Literature cited by the submitters: PubMed 26342709 (cited by Color Diagnostics, LLC DBA Color Health).